The following is an entry in ClinVar:

NM_003221.4(TFAP2B):c.917C>T (p.Thr306Met)

Gene: TFAP2B (transcription factor AP-2 beta; plus strand). Cytogenetic location: 6p12.3.
Variant type: single nucleotide variant.
Coding change: c.917C>T on transcript NM_003221.4 (MANE Select); coding-DNA position 917, C replaced by T.
Protein change: p.Thr306Met; replaces threonine 306 with methionine.
Molecular consequence: missense variant.
Genome position (GRCh38, 1-based): chr6:50,838,070, C>T. VCF-style: chr6-50838070-C-T. GRCh37 (hg19) VCF-style: chr6-50805783-C-T.
Other names: c.917C>T (NM_003221.3); short protein forms T306M.
Identifiers: ClinVar variation 599234 (VCV000599234.5), dbSNP rs1232197674, ClinGen allele CA364415423.

ClinVar aggregate classification (germline): Uncertain significance. Review status: criteria provided, multiple submitters, no conflicts (2 of 4 stars). 4 submissions from 4 submitters: Uncertain significance (3). 1 of the submissions does not count toward it. Last evaluated 2022-08-16.

Conditions:
Char syndrome (CHAR). Also called: PATENT DUCTUS ARTERIOSUS WITH FACIAL DYSMORPHISM AND ABNORMAL FIFTH DIGITS. Identifiers: Orphanet 46627, MedGen C1868570, MONDO:0008209, OMIM 169100.

Allele frequency attached by ClinVar (database versions not stated): gnomAD exomes below 0.00001; TOPMed below 0.00001; gnomAD 0.00001.
gnomAD v4.1: 6 of 1,613,950 alleles (0.00037%); highest among the groups gnomAD compares: African/African-American, 0.0013%; no homozygotes.

Submissions (4):

Baylor Genetics
Classification: Uncertain significance for Char syndrome. Last evaluated: 2022-08-16. Review status: criteria provided, single submitter. Criteria: ACMG Guidelines, 2015. Collection method: clinical testing. Allele origin: unknown.

Victorian Clinical Genetics Services, Murdoch Childrens Research Institute
Classification: Uncertain significance for Char syndrome. Last evaluated: 2022-06-24. Review status: criteria provided, single submitter. Criteria: ACMG Guidelines, 2015. Collection method: clinical testing. Allele origin: germline. Inheritance: Autosomal dominant inheritance. Affected: yes.
Comment: Based on the classification scheme VCGS_Germline_v1.3.4, this variant is classified as VUS-3B. Following criteria are met: 0103 - Dominant negative is a known mechanism of disease in this gene and is associated with Char syndrome (MIM#169100) (PMID: 11505339). Loss of function is a likely mechanism of disease associated with patent ductus arteriosus 2 (MIM#617035) (PMID: 24507797). (I) 0107 - This gene is associated with autosomal dominant disease. (I) 0112 - The condition associated with this gene has incomplete penetrance. In a single family, the variant was inherited from an unaffected parent (PMID: 31292255). (I) 0115 - Variants in this gene are known to have variable expressivity (PMID: 31292255). (I) 0200 - Variant is predicted to result in a missense amino acid change from threonine to methionine. (I) 0251 - This variant is heterozygous. (I) 0302 - Variant is present in gnomAD (v3) <0.001 for a dominant condition (2 heterozygotes, 0 homozygotes). (SP) 0501 - Missense variant consistently predicted to be damaging by multiple in silico tools or highly conserved with a major amino acid change. (SP) 0600 - Variant is located in the annotated DNA binding domain (PMID: 31012281). (I) 0705 - No comparable missense variants have previous evidence for pathogenicity. (I) 0802 - This variant has moderate previous evidence of pathogenicity in unrelated individuals. This variant has been reported in one individual with Char syndrome as a de novo occurrence (MIM#169100) (PMID: 31012281). (SP) 0905 - No published segregation evidence has been identified for this variant. (I) 1007 - No published functional evidence has been identified for this variant. (I) Legend: (SP) - Supporting pathogenic, (I) - Information, (SB) - Supporting benign

Wangler Lab, Baylor College of Medicine
Classification: Uncertain significance for Char syndrome. Review status: criteria provided, single submitter. Criteria: ACMG Guidelines, 2015. Collection method: clinical testing. Allele origin: unknown. Affected: yes.
Comment: This missense TFAP2B variant at c.917C>T (p.T306M) was seen on exome through the Texome Project (R01HG011795). This variant was reported in an individual with Char syndrome (PMID: 31012281). It has been observed in gnomAD with a frequency of <0.001%. This variant is predicted to be deleterious by multiple computational models (CADD: 29.600) (PP3). The evolutionary conservation of this residue is high. We classify this variant as a variant of uncertain significance.

Gene Discovery Core-Manton Center, Boston Children's Hospital
Classification: Likely pathogenic for Char syndrome. Last evaluated: 2018-12-19. Review status: no assertion criteria provided. Collection method: research. Allele origin: de novo. Inheritance: Sporadic. Affected: yes. Not counted in ClinVar's aggregate classification.

Literature cited by the submitters: PubMed 11505339 (cited by Victorian Clinical Genetics Services, Murdoch Childrens Research Institute); PubMed 24507797 (cited by Victorian Clinical Genetics Services, Murdoch Childrens Research Institute); PubMed 31012281 (cited by Victorian Clinical Genetics Services, Murdoch Childrens Research Institute and Wangler Lab, Baylor College of Medicine); PubMed 31292255 (cited by Victorian Clinical Genetics Services, Murdoch Childrens Research Institute).